The following is an entry in ClinVar:

ClinVar aggregate classification (germline): Benign (1 of 4 stars; one submission).

Allele frequency attached by ClinVar (database versions not stated): 1000 Genomes Project 30x 0.00531; 1000 Genomes Project 0.00539; gnomAD 0.00649 and 0.00650; TOPMed 0.00693; gnomAD exomes 0.00741.

Submission:

GeneDx
Classification: Benign. Last evaluated: 2016-10-26. Review status: criteria provided, single submitter. Criteria: GeneDx Variant Classification (06012015). Collection method: clinical testing. Allele origin: germline. Affected: yes.
Comment: This variant is considered likely benign or benign based on one or more of the following criteria: it is a conservative change, it occurs at a poorly conserved position in the protein, it is predicted to be benign by multiple in silico algorithms, and/or has population frequency not consistent with disease.

NM_001006630.2(CHRM2):c.-267G>A

Gene: CHRM2 (cholinergic receptor muscarinic 2; plus strand). Cytogenetic location: 7q33.
Variant type: single nucleotide variant.
Coding change: c.-267G>A on transcript NM_001006630.2 (MANE Select); 267 bases upstream of the start codon, G replaced by A.
Molecular consequence: 5 prime UTR variant.
Genome position (GRCh38, 1-based): chr7:136,869,276, G>A. VCF-style: chr7-136869276-G-A. GRCh37 (hg19) VCF-style: chr7-136554023-G-A.
Other names: c.-267G>A (NM_000739.3, NM_001006628.3, NM_001006631.3); c.-345G>A (NM_001006626.3); c.-189G>A (NM_001006627.3, NM_001006629.3, NM_001006632.3 and 1 more transcripts); c.-379G>A (NM_001378972.1).
Identifiers: ClinVar variation 384721 (VCV000384721.1), dbSNP rs139124053, ClinGen allele CA16605127.
Genomic context (GRCh38, chr7:136,869,276, plus strand): 5'-TACAGTGTCTCGGCATCAACTAATCTTTTCCTTTTCTTTTGCAAGATCAAGGGAGAAAGA[G>A]AACCGGCAGCTGGCCTCGGACTCTAAGCGGTGCGCAGCTCCAGCCCGAGCGGATCGGCCC-3'